The following is an entry in ClinVar:

NM_000051.4(ATM):c.1585G>C (p.Gly529Arg)

Gene: ATM (ATM serine/threonine kinase; plus strand). Cytogenetic location: 11q22.3.
Variant type: single nucleotide variant.
Coding change: c.1585G>C on transcript NM_000051.4 (MANE Select); coding-DNA position 1585, G replaced by C.
Protein change: p.Gly529Arg; replaces glycine 529 with arginine.
Molecular consequence: missense variant.
Genome position (GRCh38, 1-based): chr11:108,251,050, G>C. VCF-style: chr11-108251050-G-C. GRCh37 (hg19) VCF-style: chr11-108121777-G-C.
Other names: c.1585G>C, p.Gly529Arg (NM_001351834.2); short protein forms G529R.
Identifiers: ClinVar variation 966364 (VCV000966364.11), dbSNP rs1325651820, ClinGen allele CA382534412.

ClinVar aggregate classification (germline): Uncertain significance. Review status: criteria provided, single submitter (1 of 4 stars). 2 submissions from 2 submitters: Uncertain significance (1). 1 of the submissions does not count toward it. Last evaluated 2021-11-04.

Conditions:
Ataxia-telangiectasia syndrome (AT). Also called: ATAXIA-TELANGIECTASIA, FRESNO VARIANT; Ataxia-telangiectasia, complementation group E; Ataxia telangiectasia (A-T); LOUIS-BAR SYNDROME; Ataxia-telangiectasia, complementation group D; AT, COMPLEMENTATION GROUP C. Identifiers: Orphanet 100, MedGen C0004135, MONDO:0008840, OMIM 208900.

Allele frequency attached by ClinVar (database versions not stated): TOPMed below 0.00001; gnomAD 0.00001.
gnomAD v4.1: 1 of 1,613,930 alleles (0.000062%); highest among the groups gnomAD compares: Non-Finnish European, 0.000085%; no homozygotes.

Submissions (2):

Labcorp Genetics (formerly Invitae), Labcorp
Classification: Uncertain significance for Ataxia-telangiectasia syndrome. Last evaluated: 2021-11-04. Review status: criteria provided, single submitter. Criteria: Invitae Variant Classification Sherloc (09022015). Collection method: clinical testing. Allele origin: germline.
Comment: This sequence change replaces glycine, which is neutral and non-polar, with arginine, which is basic and polar, at codon 529 of the ATM protein (p.Gly529Arg). This variant has not been reported in the literature in individuals affected with ATM-related conditions. This variant is not present in population databases (gnomAD no frequency). ClinVar contains an entry for this variant (Variation ID: 966364). Advanced modeling of protein sequence and biophysical properties (such as structural, functional, and spatial information, amino acid conservation, physicochemical variation, residue mobility, and thermodynamic stability) performed at Invitae indicates that this missense variant is not expected to disrupt ATM protein function. In summary, the available evidence is currently insufficient to determine the role of this variant in disease. Therefore, it has been classified as a Variant of Uncertain Significance.

Natera, Inc.
Classification: Uncertain significance for Ataxia-telangiectasia. Last evaluated: 2020-07-15. Review status: no assertion criteria provided. Collection method: clinical testing. Allele origin: germline. Not counted in ClinVar's aggregate classification.